The following is an entry in ClinVar:

NM_005592.4(MUSK):c.635C>T (p.Ala212Val)

Gene: MUSK (muscle associated receptor tyrosine kinase; plus strand). Cytogenetic location: 9q31.3.
Variant type: single nucleotide variant.
Coding change: c.635C>T on transcript NM_005592.4 (MANE Select); coding-DNA position 635, C replaced by T.
Protein change: p.Ala212Val; replaces alanine 212 with valine.
Molecular consequence: missense variant. On other transcripts: 5 prime UTR variant (1).
Genome position (GRCh38, 1-based): chr9:110,734,257, C>T. VCF-style: chr9-110734257-C-T. GRCh37 (hg19) VCF-style: chr9-113496537-C-T.
Other names: c.665C>T, p.Ala222Val (NM_001166280.2); c.635C>T, p.Ala212Val (NM_001166281.2); c.-602C>T (NM_001369398.1); short protein forms A212V, A222V.
Identifiers: ClinVar variation 582197 (VCV000582197.10), dbSNP rs756953369, ClinGen allele CA5184140.

ClinVar aggregate classification (germline): Uncertain significance. Review status: criteria provided, multiple submitters, no conflicts (2 of 4 stars). 2 submissions from 2 submitters: Uncertain significance (2). Last evaluated 2024-04-22.

Conditions:
Inborn genetic diseases. Identifiers: MedGen C0950123, MeSH D030342.
Congenital myasthenic syndrome 9. Also called: Myasthenic syndrome, congenital, 9, associated with acetylcholine receptor deficiency. Identifiers: Orphanet 590, MedGen C4225368, MONDO:0014587, OMIM 616325.
Fetal akinesia deformation sequence 1 (FADS1). Also called: Fetal akinesia sequence; Pena-Shokeir syndrome type I. Identifiers: Orphanet 994, MedGen C1276035, MONDO:0100101, OMIM 208150, HP:0001989.

Allele frequency attached by ClinVar (database versions not stated): TOPMed below 0.00001; ExAC 0.00001; gnomAD exomes 0.00001.
gnomAD v4.1: 5 of 1,611,180 alleles (0.00031%); highest among the groups gnomAD compares: Admixed American, 0.0034%; no homozygotes.

Submissions (2):

Ambry Genetics
Classification: Uncertain significance for Inborn genetic diseases. Last evaluated: 2024-04-22. Review status: criteria provided, single submitter. Criteria: Ambry Variant Classification Scheme 2023. Collection method: clinical testing. Allele origin: germline.

Labcorp Genetics (formerly Invitae), Labcorp
Classification: Uncertain significance for Congenital myasthenic syndrome 9; Fetal akinesia deformation sequence 1. Last evaluated: 2021-08-28. Review status: criteria provided, single submitter. Criteria: Invitae Variant Classification Sherloc (09022015). Collection method: clinical testing. Allele origin: germline.
Comment: This sequence change replaces alanine with valine at codon 212 of the MUSK protein (p.Ala212Val). The alanine residue is highly conserved and there is a small physicochemical difference between alanine and valine. This variant is present in population databases (rs756953369, ExAC 0.01%). This variant has not been reported in the literature in individuals affected with MUSK-related conditions. Algorithms developed to predict the effect of missense changes on protein structure and function (SIFT, PolyPhen-2, Align-GVGD) all suggest that this variant is likely to be disruptive. In summary, the available evidence is currently insufficient to determine the role of this variant in disease. Therefore, it has been classified as a Variant of Uncertain Significance.